The following is an entry in ClinVar:

NM_000321.2(RB1):c.1815del

Gene: RB1 (RB transcriptional corepressor 1; plus strand). Cytogenetic location: 13q14.2.
Variant type: Deletion.
Coding change: c.1815del on transcript NM_000321.2; coding-DNA position 1815, one base deleted (G; older notation c.1815delG).
Genome position (GRCh38, 1-based): chr13:48,456,204, G deleted; the last of 2 consecutive G bases (chr13:48,456,203-48,456,204); deleting either gives the same sequence. VCF-style (leftmost placement, unchanged base first): chr13-48456202-AG-A. GRCh37 (hg19) VCF-style: chr13-49030338-AG-A.
Identifiers: ClinVar variation 3340555 (VCV003340555.1).
Genomic context (GRCh38, chr13:48,456,202, plus strand): 5'-TATGTATAATCTGTGATTCTTAGCCAACTTGAAATGAAGACTTTTCCTTTAAATATATCT[AG>A]GTATCTTTCTCCTGTAAGATCTCCAAAGAAAAAAGGTTCAACTACGCGTGTAAATTCTAC-3'

ClinVar aggregate classification (germline): Likely pathogenic (1 of 4 stars; one submission).

Submission:

GeneDx
Classification: Likely pathogenic. Last evaluated: 2023-11-06. Review status: criteria provided, single submitter. Criteria: GeneDx Variant Classification Process June 2021. Collection method: clinical testing. Allele origin: germline. Affected: yes.
Comment: Frameshift variant predicted to result in protein truncation or nonsense mediated decay in a gene for which loss of function is a known mechanism of disease; Not observed at significant frequency in large population cohorts (gnomAD); Has not been previously published as pathogenic or benign to our knowledge